The following is an entry in ClinVar:

ClinVar aggregate classification (germline): Uncertain significance (1 of 4 stars; one submission).

Allele frequency attached by ClinVar (database versions not stated): gnomAD exomes below 0.00001.

Submission:

Labcorp Genetics (formerly Invitae), Labcorp
Classification: Uncertain significance. Last evaluated: 2022-04-17. Review status: criteria provided, single submitter. Criteria: Invitae Variant Classification Sherloc (09022015). Collection method: clinical testing. Allele origin: germline.
Comment: In summary, the available evidence is currently insufficient to determine the role of this variant in disease. Therefore, it has been classified as a Variant of Uncertain Significance. Experimental studies and prediction algorithms are not available or were not evaluated, and the functional significance of this variant is currently unknown. This variant has not been reported in the literature in individuals affected with FAT2-related conditions. This variant is not present in population databases (gnomAD no frequency). This sequence change results in a frameshift in the FAT2 gene (p.Cys4267Valfs*129). While this is not anticipated to result in nonsense mediated decay, it is expected to disrupt the last 83 amino acid(s) of the FAT2 protein and extend the protein by 45 additional amino acid residues.

NM_001447.3(FAT2):c.12799del (p.Cys4267fs)

Genes: FAT2 (FAT atypical cadherin 2; minus strand), SLC36A1 (solute carrier family 36 member 1; plus strand). Cytogenetic location: 5q33.1.
Variant type: Deletion.
Coding change: c.12799del on transcript NM_001447.3 (MANE Select); coding-DNA position 12799, one base deleted (T; older notation c.12799delT).
Protein change: p.Cys4267fs; shifts the reading frame from cysteine 4267.
Molecular consequence: frameshift variant.
Genome position (GRCh38, 1-based): chr5:151,505,816, A deleted on the plus strand (T on the coding strand, the reverse complement: FAT2 is on the minus strand). VCF-style (leftmost placement, unchanged base first): chr5-151505815-CA-C. GRCh37 (hg19) VCF-style: chr5-150885376-CA-C.
Other names: short protein forms C4267fs.
Identifiers: ClinVar variation 1918455 (VCV001918455.5), dbSNP rs1561806558, ClinGen allele CA917609916.
Genomic context (GRCh38, chr5:151,505,815, plus strand): 5'-CCTCCCCCTCCCTGCCGGAACTGCGAGTGGTAGTAGCTGATGGCCGTGTACTCATTGAGA[CA>C]GGGGGCAACCAGGCGCTCCCGGGGACTAGGGGGCCGAGAGGGCATCAGATCTTCCAGGTT-3'